The following is an entry in ClinVar:

NM_000090.4(COL3A1):c.2152G>T (p.Ala718Ser)

Gene: COL3A1 (collagen type III alpha 1 chain; plus strand). Cytogenetic location: 2q32.2.
Variant type: single nucleotide variant.
Coding change: c.2152G>T on transcript NM_000090.4 (MANE Select); coding-DNA position 2152, G replaced by T.
Protein change: p.Ala718Ser; replaces alanine 718 with serine.
Molecular consequence: missense variant.
Genome position (GRCh38, 1-based): chr2:188,999,500, G>T. VCF-style: chr2-188999500-G-T. GRCh37 (hg19) VCF-style: chr2-189864226-G-T.
Other names: short protein forms A718S.
Identifiers: ClinVar variation 3073144 (VCV003073144.1), dbSNP rs748020035, ClinGen allele CA075047.

ClinVar aggregate classification (germline): Uncertain significance (1 of 4 stars; one submission).

Conditions:
Ehlers-Danlos syndrome, type 4 (EDSVASC). Also called: Ehlers-Danlos Syndrome Type IV; Ehlers-Danlos syndrome vascular type; Ehlers Danlos syndrome, ecchymotic type; Ehlers Danlos syndrome, arterial type; Ehlers Danlos syndrome, Sack-Barabas type. Identifiers: Orphanet 286, MedGen C0268338, MONDO:0017314, OMIM 130050.

Allele frequency attached by ClinVar (database versions not stated): gnomAD exomes below 0.00001; ExAC 0.00002.
gnomAD v4.1: 2 of 1,614,108 alleles (0.00012%); highest among the groups gnomAD compares: East Asian, 0.0045%; no homozygotes.

Submission:

All of Us Research Program, National Institutes of Health
Classification: Uncertain significance for Ehlers-Danlos syndrome, type 4. Last evaluated: 2023-08-23. Review status: criteria provided, single submitter. Criteria: ACMG Guidelines, 2015. Collection method: clinical testing. Allele origin: germline. Inheritance: Autosomal dominant inheritance. Observed: 1 variant allele, 1 heterozygote.
Comment: This missense variant replaces alanine with serine at codon 718 of the COL3A1 protein. Computational prediction suggests that this variant may not impact protein structure and function (internally defined REVEL score threshold <= 0.5, PMID: 27666373). To our knowledge, functional studies have not been reported for this variant. This variant has not been reported in individuals affected with COL3A1-related disorders in the literature. This variant has been identified in 2/251048 chromosomes in the general population by the Genome Aggregation Database (gnomAD). The available evidence is insufficient to determine the role of this variant in disease conclusively. Therefore, this variant is classified as a Variant of Uncertain Significance.

This study involves interpretation of variants in research participants for the purpose of population health screening. Participant phenotype was not available at the time of variant classification. Additional details can be found in publication PMID: 35346344, PMCID: PMC8962531